The following is an entry in ClinVar:

ClinVar aggregate classification (germline): Uncertain significance (1 of 4 stars; one submission).

Conditions:
Charcot-Marie-Tooth Neuropathy X. Identifiers: MedGen CN118851.

Allele frequency attached by ClinVar (database versions not stated): gnomAD exomes below 0.00001; TOPMed 0.00001.

Submission:

Labcorp Genetics (formerly Invitae), Labcorp
Classification: Uncertain significance for Charcot-Marie-Tooth Neuropathy X. Last evaluated: 2022-07-17. Review status: criteria provided, single submitter. Criteria: Invitae Variant Classification Sherloc (09022015). Collection method: clinical testing. Allele origin: germline.
Comment: This sequence change replaces glycine, which is neutral and non-polar, with alanine, which is neutral and non-polar, at codon 268 of the GJB1 protein (p.Gly268Ala). This variant is present in population databases (no rsID available, gnomAD 0.01%). This variant has not been reported in the literature in individuals affected with GJB1-related conditions. Algorithms developed to predict the effect of missense changes on protein structure and function are either unavailable or do not agree on the potential impact of this missense change (SIFT: "Deleterious"; PolyPhen-2: "Benign"; Align-GVGD: "Class C0"). In summary, the available evidence is currently insufficient to determine the role of this variant in disease. Therefore, it has been classified as a Variant of Uncertain Significance.

NM_000166.6(GJB1):c.803G>C (p.Gly268Ala)

Gene: GJB1 (gap junction protein beta 1; plus strand). Cytogenetic location: Xq13.1.
Variant type: single nucleotide variant.
Coding change: c.803G>C on transcript NM_000166.6 (MANE Select); coding-DNA position 803, G replaced by C.
Protein change: p.Gly268Ala; replaces glycine 268 with alanine.
Molecular consequence: missense variant.
Genome position (GRCh38, 1-based): chrX:71,224,510, G>C. VCF-style: chrX-71224510-G-C. GRCh37 (hg19) VCF-style: chrX-70444360-G-C.
Other names: c.803G>C, p.Gly268Ala (NM_001097642.3); short protein forms G268A.
Identifiers: ClinVar variation 2156335 (VCV002156335.4), dbSNP rs1270971430, ClinGen allele CA413504207.